The following is an entry in ClinVar:

ClinVar aggregate classification (germline): Uncertain significance. Review status: criteria provided, multiple submitters, no conflicts (2 of 4 stars). 2 submissions from 2 submitters: Uncertain significance (2). Last evaluated 2022-02-20.

Conditions:
Hypertrophic cardiomyopathy 12. Identifiers: MedGen C2677491, MONDO:0012804, OMIM 612124.
Dilated cardiomyopathy 1M (CMD1M). Identifiers: Orphanet 154, MedGen C1843808, MONDO:0011840, OMIM 607482.

Submissions (2):

Labcorp Genetics (formerly Invitae), Labcorp
Classification: Uncertain significance for Hypertrophic cardiomyopathy 12; Dilated cardiomyopathy 1M. Last evaluated: 2022-02-20. Review status: criteria provided, single submitter. Criteria: Invitae Variant Classification Sherloc (09022015). Collection method: clinical testing. Allele origin: germline.
Comment: This sequence change replaces histidine, which is basic and polar, with glutamine, which is neutral and polar, at codon 52 of the CSRP3 protein (p.His52Gln). In summary, the available evidence is currently insufficient to determine the role of this variant in disease. Therefore, it has been classified as a Variant of Uncertain Significance. Algorithms developed to predict the effect of missense changes on protein structure and function are either unavailable or do not agree on the potential impact of this missense change (SIFT: "Deleterious"; PolyPhen-2: "Benign"; Align-GVGD: "Class C15"). This variant has not been reported in the literature in individuals affected with CSRP3-related conditions. This variant is not present in population databases (gnomAD no frequency).

GeneDx
Classification: Uncertain significance. Last evaluated: 2022-01-26. Review status: criteria provided, single submitter. Criteria: GeneDx Variant Classification Process June 2021. Collection method: clinical testing. Allele origin: germline. Affected: yes.
Comment: Has not been previously published as pathogenic or benign to our knowledge; Not observed at significant frequency in large population cohorts (gnomAD); In silico analysis supports that this missense variant has a deleterious effect on protein structure/function

NM_003476.5(CSRP3):c.156T>A (p.His52Gln)

Gene: CSRP3 (cysteine and glycine rich protein 3; minus strand). Cytogenetic location: 11p15.1.
Variant type: single nucleotide variant.
Coding change: c.156T>A on transcript NM_003476.5 (MANE Select); coding-DNA position 156, T replaced by A.
Protein change: p.His52Gln; replaces histidine 52 with glutamine.
Molecular consequence: missense variant. On other transcripts: intron variant (1).
Genome position (GRCh38, 1-based): chr11:19,188,261, A>T on the plus strand (T>A on the coding strand, the complement: CSRP3 is on the minus strand). VCF-style: chr11-19188261-A-T. GRCh37 (hg19) VCF-style: chr11-19209808-A-T.
Other names: c.113-1913T>A (NM_001369404.1); short protein forms H52Q.
Identifiers: ClinVar variation 1699784 (VCV001699784.7), dbSNP rs1020735963, ClinGen allele CA379888368.